The following is an entry in ClinVar:

ClinVar aggregate classification (germline): Pathogenic (1 of 4 stars; one submission).

Conditions:
Primary ciliary dyskinesia. Also called: Ciliary dyskinesia. Identifiers: Orphanet 244, MedGen C0008780, MONDO:0016575, HP:0012265.

Submission:

Labcorp Genetics (formerly Invitae), Labcorp
Classification: Pathogenic for Primary ciliary dyskinesia. Last evaluated: 2022-03-02. Review status: criteria provided, single submitter. Criteria: Invitae Variant Classification Sherloc (09022015). Collection method: clinical testing. Allele origin: germline.
Comment: This sequence change creates a premature translational stop signal (p.Leu210Cysfs*8) in the DNAH5 gene. It is expected to result in an absent or disrupted protein product. Loss-of-function variants in DNAH5 are known to be pathogenic (PMID: 11788826, 16627867). This variant is not present in population databases (gnomAD no frequency). This variant has not been reported in the literature in individuals affected with DNAH5-related conditions. For these reasons, this variant has been classified as Pathogenic.

Literature cited by the submitters: PubMed 11788826; PubMed 16627867.

NM_001369.3(DNAH5):c.628del (p.Leu210fs)

Gene: DNAH5 (dynein axonemal heavy chain 5; minus strand). Cytogenetic location: 5p15.2.
Variant type: Deletion.
Coding change: c.628del on transcript NM_001369.3 (MANE Select); coding-DNA position 628, one base deleted (C; older notation c.628delC).
Protein change: p.Leu210fs; shifts the reading frame from leucine 210.
Molecular consequence: frameshift variant.
Genome position (GRCh38, 1-based): chr5:13,922,139, G deleted on the plus strand (C on the coding strand, the reverse complement: DNAH5 is on the minus strand); the first of 2 consecutive G bases (chr5:13,922,139-13,922,140); deleting either gives the same sequence. VCF-style (leftmost placement, unchanged base first): chr5-13922138-AG-A. GRCh37 (hg19) VCF-style: chr5-13922247-AG-A.
Other names: short protein forms L210fs.
Identifiers: ClinVar variation 2105692 (VCV002105692.4), dbSNP rs2547155603, ClinGen allele CA2580072117.
Genomic context (GRCh38, chr5:13,922,138, plus strand): 5'-TTTTAAAGGAACAGCTTATTCGTCCTCACCTTCTCCTTCAGACTCTCCTGTGCACCCGAC[AG>A]GACGTTCACAAAGCCTTCCAGGGAGCTCAAGAACTCCTGGCGAATGTTAGCTGCGTCCTG-3'